The following is an entry in ClinVar:

NM_001999.4(FBN2):c.7997C>T (p.Ser2666Phe)

Gene: FBN2 (fibrillin 2; minus strand). Cytogenetic location: 5q23.3.
Variant type: single nucleotide variant.
Coding change: c.7997C>T on transcript NM_001999.4 (MANE Select); coding-DNA position 7997, C replaced by T.
Protein change: p.Ser2666Phe; replaces serine 2666 with phenylalanine.
Molecular consequence: missense variant.
Genome position (GRCh38, 1-based): chr5:128,263,620, G>A on the plus strand (C>T on the coding strand, the complement: FBN2 is on the minus strand). VCF-style: chr5-128263620-G-A. GRCh37 (hg19) VCF-style: chr5-127599312-G-A.
Other names: short protein forms S2666F.
Identifiers: ClinVar variation 4843608 (VCV004843608.1).

ClinVar aggregate classification (germline): Uncertain significance (1 of 4 stars; one submission).

Conditions:
Familial thoracic aortic aneurysm and aortic dissection (TAAD). Also called: Thoracic aortic aneurysms and dissections. Identifiers: Orphanet 91387, MedGen C4707243, MONDO:0019625.

gnomAD v4.1: 1 of 1,614,132 alleles (0.000062%); no homozygotes.

Submission:

Ambry Genetics
Classification: Uncertain significance for Familial thoracic aortic aneurysm and aortic dissection. Last evaluated: 2025-12-16. Review status: criteria provided, single submitter. Criteria: Ambry Variant Classification Scheme 2023. Collection method: clinical testing. Allele origin: germline.
Comment: The p.S2666F variant (also known as c.7997C>T), located in coding exon 63 of the FBN2 gene, results from a C to T substitution at nucleotide position 7997. The serine at codon 2666 is replaced by phenylalanine, an amino acid with highly dissimilar properties. This amino acid position is conserved. In addition, this alteration is predicted to be deleterious by in silico analysis. Based on the available evidence, the clinical significance of this variant remains unclear.